The following is an entry in ClinVar:

ClinVar aggregate classification (germline): Likely benign. Review status: criteria provided, multiple submitters, no conflicts (2 of 4 stars). 3 submissions from 3 submitters: Likely benign (2). 1 of the submissions does not count toward it. Last evaluated 2025-05-13.

Conditions:
PDSS2-related disorder. Also called: PDSS2-related condition.

Allele frequency attached by ClinVar (database versions not stated): ExAC 0.00001; TOPMed 0.00001.
gnomAD v4.1: 3 of 1,614,086 alleles (0.00019%); highest among the groups gnomAD compares: Admixed American, 0.0033%; no homozygotes.

Submissions (3):

Labcorp Genetics (formerly Invitae), Labcorp
Classification: Likely benign. Last evaluated: 2025-05-13. Review status: criteria provided, single submitter. Criteria: Invitae Variant Classification Sherloc (09022015). Collection method: clinical testing. Allele origin: germline.

Blueprint Genetics
Classification: Likely benign. Last evaluated: 2024-06-11. Review status: criteria provided, single submitter. Criteria: ACMG Guidelines, 2015. Collection method: clinical testing. Allele origin: germline.

PreventionGenetics, part of Exact Sciences
Classification: Likely benign for PDSS2-related condition. Last evaluated: 2019-07-10. Review status: no assertion criteria provided. Collection method: clinical testing. Allele origin: germline. Not counted in ClinVar's aggregate classification.
Comment: This variant is classified as likely benign based on ACMG/AMP sequence variant interpretation guidelines (Richards et al. 2015 PMID: 25741868, with internal and published modifications).

NM_020381.4(PDSS2):c.93C>T (p.Thr31=)

Gene: PDSS2 (decaprenyl diphosphate synthase subunit 2; minus strand). Cytogenetic location: 6q21.
Variant type: single nucleotide variant.
Coding change: c.93C>T on transcript NM_020381.4 (MANE Select); coding-DNA position 93, C replaced by T.
Protein change: p.Thr31=; no amino-acid change (threonine 31 retained).
Molecular consequence: synonymous variant.
Genome position (GRCh38, 1-based): chr6:107,459,193, G>A on the plus strand (C>T on the coding strand, the complement: PDSS2 is on the minus strand). VCF-style: chr6-107459193-G-A. GRCh37 (hg19) VCF-style: chr6-107780397-G-A.
Other names: c.93C>T (NM_020381.3).
Identifiers: ClinVar variation 1593256 (VCV001593256.11), dbSNP rs760091696, ClinGen allele CA3946196.